The following is an entry in ClinVar:

ClinVar aggregate classification (germline): Benign/Likely benign. Review status: criteria provided, multiple submitters, no conflicts (2 of 4 stars). 14 submissions from 13 submitters: Benign (9); Likely benign (2). 3 of the submissions do not count toward it. Last evaluated 2026-02-03.

Conditions:
Cardiovascular phenotype. Identifiers: MedGen CN230736.
Cardiomyopathy (CMYO). Also called: Cardiomyopathies. Identifiers: Orphanet 167848, MedGen C0878544, MONDO:0004994, HP:0001638. Inheritance: Various modes of inheritance.
Hypertrichotic osteochondrodysplasia Cantu type. Also called: Cantu Syndrome; Cantú Syndrome. Identifiers: Orphanet 1517, MedGen C0795905, MONDO:0009406, OMIM 239850.
Dilated cardiomyopathy 1O (CMD1O). Also called: CARDIOMYOPATHY, DILATED, WITH VENTRICULAR TACHYCARDIA. Identifiers: Orphanet 154, MedGen C1837839, MONDO:0012062, OMIM 608569.

Allele frequency attached by ClinVar (database versions not stated): 1000 Genomes Project 30x 0.01187; gnomAD 0.01226 and 0.01127; 1000 Genomes Project 0.01238; ExAC 0.00369; TOPMed 0.01306; gnomAD exomes 0.00111 and 0.00304; ESP Exome Variant Server 0.01492.
gnomAD v4.1: 3,403 of 1,613,962 alleles (0.21%); highest among the groups gnomAD compares: African/African-American, 4%; 58 homozygotes.

Submissions (14):

Labcorp Genetics (formerly Invitae), Labcorp
Classification: Benign for Dilated cardiomyopathy 1O. Last evaluated: 2026-02-03. Review status: criteria provided, single submitter. Criteria: Invitae Variant Classification Sherloc (09022015). Collection method: clinical testing. Allele origin: germline.

ARUP Laboratories, Molecular Genetics and Genomics, ARUP Laboratories
Classification: Benign. Last evaluated: 2025-05-14. Review status: criteria provided, single submitter. Criteria: ARUP Molecular Germline Variant Investigation Process 2024. Collection method: clinical testing. Allele origin: germline.

Illumina Laboratory Services, Illumina
Classification: Likely benign for Dilated cardiomyopathy 1O. Last evaluated: 2018-01-13. Review status: criteria provided, single submitter. Criteria: ICSL Variant Classification Criteria 13 December 2019. Collection method: clinical testing. Allele origin: germline.
Comment: This variant was observed in the ICSL laboratory as part of a predisposition screen in an ostensibly healthy population. It had not been previously curated by ICSL or reported in the Human Gene Mutation Database (HGMD: prior to June 1st, 2018), and was therefore a candidate for classification through an automated scoring system. Utilizing variant allele frequency, disease prevalence and penetrance estimates, and inheritance mode, an automated score was calculated to assess if this variant is too frequent to cause the disease. Based on the score and internal cut-off values, a variant classified as likely benign is not then subjected to further curation. The score for this variant resulted in a classification of likely benign for this disease.

Illumina Laboratory Services, Illumina
Classification: Benign for Hypertrichotic osteochondrodysplasia Cantu type. Last evaluated: 2018-01-13. Review status: criteria provided, single submitter. Criteria: ICSL Variant Classification Criteria 13 December 2019. Collection method: clinical testing. Allele origin: germline.
Comment: This variant was observed in the ICSL laboratory as part of a predisposition screen in an ostensibly healthy population. It had not been previously curated by ICSL or reported in the Human Gene Mutation Database (HGMD: prior to June 1st, 2018), and was therefore a candidate for classification through an automated scoring system. Utilizing variant allele frequency, disease prevalence and penetrance estimates, and inheritance mode, an automated score was calculated to assess if this variant is too frequent to cause the disease. Based on the score and internal cut-off values, a variant classified as benign is not then subjected to further curation. The score for this variant resulted in a classification of benign for this disease.

CHEO Genetics Diagnostic Laboratory, Children's Hospital of Eastern Ontario
Classification: Benign for Cardiomyopathy. Last evaluated: 2016-04-22. Review status: criteria provided, single submitter. Criteria: ACMG Guidelines, 2015. Collection method: clinical testing. Allele origin: germline. Study: Canadian Open Genetics Repository.

Ambry Genetics
Classification: Benign for Cardiovascular phenotype. Last evaluated: 2015-07-27. Review status: criteria provided, single submitter. Criteria: Ambry Variant Classification Scheme 2023. Collection method: clinical testing. Allele origin: germline.

Mayo Clinic Laboratories, Mayo Clinic
Classification: Benign. Last evaluated: 2014-05-08. Review status: criteria provided, single submitter. Criteria: ACMG Guidelines, 2015. Collection method: clinical testing. Allele origin: germline. Observed: 13 variant alleles.

GeneDx
Classification: Benign. Last evaluated: 2014-03-05. Review status: criteria provided, single submitter. Criteria: GeneDx Variant Classification (06012015). Collection method: clinical testing. Allele origin: germline. Affected: yes.
Comment: This variant is considered likely benign or benign based on one or more of the following criteria: it is a conservative change, it occurs at a poorly conserved position in the protein, it is predicted to be benign by multiple in silico algorithms, and/or has population frequency not consistent with disease.

Women's Health and Genetics/Laboratory Corporation of America, LabCorp
Classification: Benign for Cardiomyopathy. Last evaluated: 2011-08-18. Review status: criteria provided, single submitter. Criteria: LabCorp Variant Classification Summary - May 2015. Collection method: curation. Allele origin: germline. Inheritance: autosomal unknown. Affected: yes.
ClinVar note: Converted during submission from benign to Benign.

Laboratory for Molecular Medicine, Mass General Brigham Personalized Medicine
Classification: Benign. Last evaluated: 2009-05-19. Review status: criteria provided, single submitter. Criteria: LMM Criteria. Collection method: clinical testing. Allele origin: germline. Observed: 29 variant alleles.

Breakthrough Genomics
Classification: Likely benign. Review status: criteria provided, single submitter. Criteria: ACMG Guidelines, 2015. Collection method: not provided. Allele origin: germline. Inheritance: Autosomal recessive inheritance. Affected: yes.

Clinical Genetics DNA and cytogenetics Diagnostics Lab, Erasmus MC, Erasmus Medical Center
Classification: Benign. Review status: no assertion criteria provided. Collection method: clinical testing. Allele origin: germline. Affected: yes. Study: VKGL Data-share Consensus. Not counted in ClinVar's aggregate classification.

Clinical Genetics, Academic Medical Center
Classification: Benign. Review status: no assertion criteria provided. Collection method: clinical testing. Allele origin: germline. Affected: yes. Study: VKGL Data-share Consensus. Not counted in ClinVar's aggregate classification.

Diagnostic Laboratory, Department of Genetics, University Medical Center Groningen
Classification: Likely benign. Review status: no assertion criteria provided. Collection method: clinical testing. Allele origin: germline. Affected: yes. Study: VKGL Data-share Consensus. Not counted in ClinVar's aggregate classification.

NM_020297.4(ABCC9):c.3321C>T (p.Ile1107=)

Gene: ABCC9 (ATP binding cassette subfamily C member 9; minus strand). Cytogenetic location: 12p12.1.
Variant type: single nucleotide variant.
Coding change: c.3321C>T on transcript NM_020297.4 (MANE Select); coding-DNA position 3321, C replaced by T.
Protein change: p.Ile1107=; no amino-acid change (isoleucine 1107 retained).
Molecular consequence: synonymous variant.
Genome position (GRCh38, 1-based): chr12:21,842,466, G>A on the plus strand (C>T on the coding strand, the complement: ABCC9 is on the minus strand). VCF-style: chr12-21842466-G-A. GRCh37 (hg19) VCF-style: chr12-21995400-G-A.
Other names: p.I1107I:ATC>ATT; p.Ile1107=; c.3321C>T, p.Ile1107= (NM_001377273.1, NM_005691.4); c.2454C>T, p.Ile818= (NM_001377274.1).
Identifiers: ClinVar variation 35632 (VCV000035632.43), dbSNP rs35404804, ClinGen allele CA282544.
Genomic context (GRCh38, chr12:21,842,466, plus strand): 5'-CATCCCAATGGCAGACAGGCAGAGCAGTGTTGAGCGAGTTAGAGATTCCAAGGTTGGAGG[G>A]ATGTGCTATTAGGGTAGTTTAAAAGGAAAATATGATTAGCCCAGTGAAATATTGGCTGCA-3'
Protein context (NP_064693.2, residues 1097-1117): SADTNIIDQH[Ile1107=]PPTLESLTRS